The following is an entry in ClinVar:

NM_001267550.2(TTN):c.73998T>A (p.Cys24666Ter)

Genes: TTN (titin; minus strand), TTN-AS1 (TTN antisense RNA 1; plus strand). Cytogenetic location: 2q31.2.
Variant type: single nucleotide variant.
Coding change: c.73998T>A on transcript NM_001267550.2 (MANE Select); coding-DNA position 73998, T replaced by A.
Protein change: p.Cys24666Ter; replaces cysteine 24666 with a stop codon.
Molecular consequence: nonsense.
Genome position (GRCh38, 1-based): chr2:178,572,134, A>T on the plus strand (T>A on the coding strand, the complement: TTN is on the minus strand). VCF-style: chr2-178572134-A-T. GRCh37 (hg19) VCF-style: chr2-179436861-A-T.
Other names: c.69075T>A, p.Cys23025Ter (NM_001256850.1); c.46803T>A, p.Cys15601Ter (NM_003319.4); c.66294T>A, p.Cys22098Ter (NM_133378.4); c.47178T>A, p.Cys15726Ter (NM_133432.3); c.47379T>A, p.Cys15793Ter (NM_133437.4); short protein forms C15601*, C15726*, C24666*, C23025*, C15793*, C22098*.
Identifiers: ClinVar variation 2102752 (VCV002102752.4), dbSNP rs2468524360, ClinGen allele CA349636178.

ClinVar aggregate classification (germline): Likely pathogenic (1 of 4 stars; one submission).

Conditions:
Dilated cardiomyopathy 1G (CMD1G). Identifiers: Orphanet 154, MedGen C1858763, MONDO:0011400, OMIM 604145.
Autosomal recessive limb-girdle muscular dystrophy type 2J (LGMDR10). Also called: Limb-girdle muscular dystrophy, type 2J; MUSCULAR DYSTROPHY, LIMB-GIRDLE, AUTOSOMAL RECESSIVE 10. Identifiers: Orphanet 140922, MedGen C1837342, MONDO:0012127, OMIM 608807.

Submission:

Labcorp Genetics (formerly Invitae), Labcorp
Classification: Likely pathogenic for Dilated cardiomyopathy 1G; Autosomal recessive limb-girdle muscular dystrophy type 2J. Last evaluated: 2022-09-27. Review status: criteria provided, single submitter. Criteria: Invitae Variant Classification Sherloc (09022015). Collection method: clinical testing. Allele origin: germline.
Comment: This variant is located in the A band of TTN (PMID: 25589632). Truncating variants in this region are significantly overrepresented in patients affected with dilated cardiomyopathy (PMID: 25589632). Truncating variants in this region have also been reported in individuals affected with autosomal recessive centronuclear myopathy (PMID: 23975875). This variant has not been reported in the literature in individuals affected with TTN-related conditions. This variant is not present in population databases (gnomAD no frequency). This sequence change creates a premature translational stop signal (p.Cys24666*) in the TTN gene. While this is not anticipated to result in nonsense mediated decay, it is expected to create a truncated TTN protein. In summary, the currently available evidence indicates that the variant is pathogenic, but additional data are needed to prove that conclusively. Therefore, this variant has been classified as Likely Pathogenic.

Literature cited by the submitters: PubMed 25589632; PubMed 23975875.